The following is an entry in ClinVar:

NM_000458.4(HNF1B):c.895T>G (p.Trp299Gly)

Gene: HNF1B (HNF1 homeobox B; minus strand). Cytogenetic location: 17q12.
Variant type: single nucleotide variant.
Coding change: c.895T>G on transcript NM_000458.4 (MANE Select); coding-DNA position 895, T replaced by G.
Protein change: p.Trp299Gly; replaces tryptophan 299 with glycine.
Molecular consequence: missense variant.
Genome position (GRCh38, 1-based): chr17:37,731,745, A>C on the plus strand (T>G on the coding strand, the complement: HNF1B is on the minus strand). VCF-style: chr17-37731745-A-C. GRCh37 (hg19) VCF-style: chr17-36091736-A-C.
Other names: c.817T>G, p.Trp273Gly (NM_001165923.4, NM_001304286.2); short protein forms W299G, W273G.
Identifiers: ClinVar variation 635628 (VCV000635628.1), dbSNP rs2511801622, ClinGen allele CA398746814.

ClinVar aggregate classification (germline): Likely pathogenic (1 of 4 stars; one submission).

Conditions:
Renal cysts and diabetes syndrome (RCAD). Also called: Familial hypoplastic, glomerulocystic kidney; MATURITY-ONSET DIABETES OF THE YOUNG, TYPE 5. Identifiers: Orphanet 93111, MedGen C0431693, MONDO:0007669, OMIM 137920.

Submission:

Institute of Human Genetics, FAU Erlangen, Friedrich-Alexander-Universität Erlangen-Nürnberg
Classification: Likely pathogenic for Renal cysts and diabetes syndrome. Last evaluated: 2019-07-06. Review status: criteria provided, single submitter. Criteria: ACMG Guidelines, 2015. Collection method: literature only. Allele origin: germline. Affected: yes.
Comment: This variant and it's classification has been reported by Vasileiou et al. 2019; DOI:10.1101/576918. The variants has previously been reported in PMID:20378641; PMID:25700310; PMID:20378641; PMID:24897035; PMID:25536396 as "c.895T->G,pTrp299Gly; c.895T>G; c.895 T>G p.Trp296Gly; c.895T>G" with clinical significance Pathogenic. It has been re-classified using InterVar and manual curation as Likely pathogenic based on PM1 PM2 PP3 PP5.

Literature cited by the submitters: PubMed 20378641; PubMed 25700310; PubMed 24897035; PubMed 25536396; DOI 10.1101/576918.